The following is an entry in ClinVar:

ClinVar aggregate classification (germline): Uncertain significance (0 of 4 stars; one submission).

Conditions:
KSR2-related disorder. Also called: KSR2-related condition.

gnomAD v4.1: 5 of 1,613,670 alleles (0.00031%); highest among the groups gnomAD compares: Admixed American, 0.0067%; no homozygotes.

Submission:

PreventionGenetics, part of Exact Sciences
Classification: Uncertain significance for KSR2-related condition. Last evaluated: 2024-05-07. Review status: no assertion criteria provided. Collection method: clinical testing. Allele origin: germline.
Comment: The KSR2 c.208G>A variant is predicted to result in the amino acid substitution p.Val70Ile. To our knowledge, this variant has not been reported in the literature. This variant is reported in 0.0087% of alleles in individuals of Latino descent in gnomAD. At this time, the clinical significance of this variant is uncertain due to the absence of conclusive functional and genetic evidence.

NM_173598.6(KSR2):c.295G>A (p.Val99Ile)

Gene: KSR2 (kinase suppressor of ras 2; minus strand). Cytogenetic location: 12q24.23.
Variant type: single nucleotide variant.
Coding change: c.295G>A on transcript NM_173598.6 (MANE Select); coding-DNA position 295, G replaced by A.
Protein change: p.Val99Ile; replaces valine 99 with isoleucine.
Molecular consequence: missense variant.
Genome position (GRCh38, 1-based): chr12:117,860,317, C>T on the plus strand (G>A on the coding strand, the complement: KSR2 is on the minus strand). VCF-style: chr12-117860317-C-T. GRCh37 (hg19) VCF-style: chr12-118298122-C-T.
Other names: short protein forms V99I.
Identifiers: ClinVar variation 3351316 (VCV003351316.1).